The following is an entry in ClinVar:

NM_000458.4(HNF1B):c.140C>T (p.Pro47Leu)

Gene: HNF1B (HNF1 homeobox B; minus strand). Cytogenetic location: 17q12.
Variant type: single nucleotide variant.
Coding change: c.140C>T on transcript NM_000458.4 (MANE Select); coding-DNA position 140, C replaced by T.
Protein change: p.Pro47Leu; replaces proline 47 with leucine.
Molecular consequence: missense variant.
Genome position (GRCh38, 1-based): chr17:37,744,745, G>A on the plus strand (C>T on the coding strand, the complement: HNF1B is on the minus strand). VCF-style: chr17-37744745-G-A. GRCh37 (hg19) VCF-style: chr17-36104736-G-A.
Other names: c.140C>T, p.Pro47Leu (NM_001165923.4, NM_001304286.2); short protein forms P47L.
Identifiers: ClinVar variation 36840 (VCV000036840.16), dbSNP rs193922483, ClinGen allele CA214348.
Genomic context (GRCh38, chr17:37,744,745, plus strand): 5'-TTGGTGAGAGTATGGAAGACCGGCTTGGTGTCGGGCTCGGCCCCGCTGCCAGGGGACAGG[G>A]GCAGCGTCTCCAGCTTCACCCCGAAGTTCGGGGATGGCAGCAACTCCTCCAAGGCCTGAA-3'
Protein context (NP_000449.1, residues 37-57): PNFGVKLETL[Pro47Leu]LSPGSGAEPD

ClinVar aggregate classification (germline): Uncertain significance. Review status: criteria provided, multiple submitters, no conflicts (2 of 4 stars). 7 submissions from 7 submitters: Uncertain significance (7). Last evaluated 2023-11-13.

Conditions:
Type 2 diabetes mellitus. Also called: Type II diabetes mellitus. Identifiers: MedGen C0011860, MeSH D003924, MONDO:0005148, OMIM 125853, HP:0005978.
Renal cysts and diabetes syndrome (RCAD). Also called: Familial hypoplastic, glomerulocystic kidney; MATURITY-ONSET DIABETES OF THE YOUNG, TYPE 5. Identifiers: Orphanet 93111, MedGen C0431693, MONDO:0007669, OMIM 137920.
Nonpapillary renal cell carcinoma. Identifiers: Orphanet 422526, MedGen CN074294, MONDO:0007763, OMIM 144700.

Allele frequency attached by ClinVar (database versions not stated): ExAC 0.00001; gnomAD 0.00002; TOPMed 0.00002.
gnomAD v4.1: 15 of 1,613,438 alleles (0.00093%); highest among the groups gnomAD compares: Admixed American, 0.02%; no homozygotes.

Submissions (7):

Labcorp Genetics (formerly Invitae), Labcorp
Classification: Uncertain significance. Last evaluated: 2023-11-13. Review status: criteria provided, single submitter. Criteria: Invitae Variant Classification Sherloc (09022015). Collection method: clinical testing. Allele origin: germline.
Comment: This sequence change replaces proline, which is neutral and non-polar, with leucine, which is neutral and non-polar, at codon 47 of the HNF1B protein (p.Pro47Leu). This variant is present in population databases (rs193922483, gnomAD 0.02%). This variant has not been reported in the literature in individuals affected with HNF1B-related conditions. ClinVar contains an entry for this variant (Variation ID: 36840). Advanced modeling of protein sequence and biophysical properties (such as structural, functional, and spatial information, amino acid conservation, physicochemical variation, residue mobility, and thermodynamic stability) performed at Invitae indicates that this missense variant is not expected to disrupt HNF1B protein function with a negative predictive value of 80%. In summary, the available evidence is currently insufficient to determine the role of this variant in disease. Therefore, it has been classified as a Variant of Uncertain Significance.

GeneDx
Classification: Uncertain significance. Last evaluated: 2022-06-15. Review status: criteria provided, single submitter. Criteria: GeneDx Variant Classification Process June 2021. Collection method: clinical testing. Allele origin: germline. Affected: yes.
Comment: In silico analysis supports that this missense variant has a deleterious effect on protein structure/function; Has not been previously published as pathogenic or benign to our knowledge; This variant is associated with the following publications: (PMID: 28215227)

Fulgent Genetics
Classification: Uncertain significance for Type 2 diabetes mellitus; Renal cysts and diabetes syndrome; Nonpapillary renal cell carcinoma. Last evaluated: 2022-05-05. Review status: criteria provided, single submitter. Criteria: ACMG Guidelines, 2015. Collection method: clinical testing. Allele origin: unknown.

Broad Center for Mendelian Genomics, Broad Institute of MIT and Harvard
Classification: Uncertain significance for Renal cysts and diabetes syndrome. Last evaluated: 2020-01-22. Review status: criteria provided, single submitter. Criteria: ACMG Guidelines, 2015. Collection method: curation. Allele origin: germline. Inheritance: Autosomal dominant inheritance.
Comment: The p.Pro47Leu variant in HNF1B has been reported in at least 1 individual with Renal Cysts and Diabetes Syndrome in ClinVar (Variation ID: 36840), and has been identified in 0.02024% (7/34580) of Latino chromosomes by the Genome Aggregation Database (gnomAD; dbSNP rs193922483). Although this variant has been seen in the general population, its frequency is low enough to be consistent with a carrier frequency. Please note that for diseases with clinical variability, or reduced penetrance, pathogenic variants may be present at a low frequency in the general population. This variant has also been reported likely pathogenic in ClinVar (Variation ID: 36840). Computational prediction tools and conservation analyses suggest that this variant may impact the protein, though this information is not predictive enough to determine pathogenicity. In summary, the clinical significance of the p.Pro47Leu variant is uncertain. ACMG/AMP Criteria applied: PM2_Supporting, PP3 (Richards 2015).

Institute of Human Genetics, FAU Erlangen, Friedrich-Alexander-Universität Erlangen-Nürnberg
Classification: Uncertain significance for Renal cysts and diabetes syndrome. Last evaluated: 2019-07-06. Review status: criteria provided, single submitter. Criteria: ACMG Guidelines, 2015. Collection method: literature only. Allele origin: germline. Affected: yes.
Comment: This variant and it's classification has been reported by Vasileiou et al. 2019; DOI:10.1101/576918. The variants has previously been reported in ClinVar:36840 as "NM_000458.3(HNF1B):c.140C>T (p.Pro47Leu)" with clinical significance Likely pathogenic. It has been re-classified using InterVar and manual curation as Uncertain significance based on PM1 PP3 PP5.

Women's Health and Genetics/Laboratory Corporation of America, LabCorp
Classification: Uncertain significance. Last evaluated: 2019-01-17. Review status: criteria provided, single submitter. Criteria: LabCorp Variant Classification Summary - May 2015. Collection method: clinical testing. Allele origin: germline.
Comment: Variant summary: The variant, HNF1B (legacy name TCF2) c.140C>T (p.Pro47Leu) results in a non-conservative amino acid change located in the N terminal of Hepatocyte nuclear factor 1 domain of the encoded protein sequence. Four of five in-silico tools predict a damaging effect of the variant on protein function. The variant allele was found at a frequency of 3.7e-05 in 245772 control chromosomes (gnomAD). The available data on variant occurrences in the general population are insufficient to allow any conclusion about variant significance. To our knowledge, no occurrence of c.140C>T in individuals affected with Maturity Onset Diabetes of the Young 5 (Renal Cysts and Diabetes Syndrome) and no experimental evidence demonstrating its impact on protein function have been reported. One clinical diagnostic laboratory has submitted clinical-significance assessments for this variant to ClinVar after 2014 without evidence for independent evaluation and classified the variant as uncertain significance. Based on the evidence outlined above, the variant was classified as uncertain significance.

Eurofins Ntd Llc (ga)
Classification: Uncertain significance. Last evaluated: 2017-11-27. Review status: criteria provided, single submitter. Criteria: EGL Classification Definitions 2015. Collection method: clinical testing. Allele origin: germline. Observed: 1 variant allele, 1 heterozygote.

Literature cited by the submitters: DOI 10.1101/576918 (cited by Institute of Human Genetics, FAU Erlangen, Friedrich-Alexander-Universität Erlangen-Nürnberg).